The following is an entry in ClinVar:

ClinVar aggregate classification (germline): Uncertain significance. Review status: criteria provided, multiple submitters, no conflicts (2 of 4 stars). 2 submissions from 2 submitters: Uncertain significance (2). Last evaluated 2024-06-28.

Conditions:
Cranioectodermal dysplasia 1 (CED1). Also called: LEVIN SYNDROME I. Identifiers: Orphanet 1515, MedGen C0432235, MONDO:0021093, OMIM 218330.

gnomAD v4.1: 12 of 1,611,996 alleles (0.00074%); highest among the groups gnomAD compares: Non-Finnish European, 0.001%; no homozygotes.

Submissions (2):

GeneDx
Classification: Uncertain significance. Last evaluated: 2024-06-28. Review status: criteria provided, single submitter. Criteria: GeneDx Variant Classification Process June 2021. Collection method: clinical testing. Allele origin: germline. Affected: yes.
Comment: Not observed at significant frequency in large population cohorts (gnomAD); In silico analysis supports that this missense variant has a deleterious effect on protein structure/function; Has not been previously published as pathogenic or benign to our knowledge

Fulgent Genetics
Classification: Uncertain significance for Cranioectodermal dysplasia 1. Last evaluated: 2024-04-02. Review status: criteria provided, single submitter. Criteria: ACMG Guidelines, 2015. Collection method: clinical testing. Allele origin: germline.

NM_052989.3(IFT122):c.3679G>T (p.Gly1227Cys)

Gene: IFT122 (intraflagellar transport 122; plus strand). Cytogenetic location: 3q22.1.
Variant type: single nucleotide variant.
Coding change: c.3679G>T on transcript NM_052989.3 (MANE Select); coding-DNA position 3679, G replaced by T.
Protein change: p.Gly1227Cys; replaces glycine 1227 with cysteine.
Molecular consequence: missense variant.
Genome position (GRCh38, 1-based): chr3:129,520,218, G>T. VCF-style: chr3-129520218-G-T. GRCh37 (hg19) VCF-style: chr3-129239061-G-T.
Other names: c.3448G>T, p.Gly1150Cys (NM_001410813.1); c.3346G>T, p.Gly1116Cys (NM_001410815.1); c.3295G>T, p.Gly1099Cys (NM_001410817.1); c.3502G>T, p.Gly1168Cys (NM_018262.4); c.3832G>T, p.Gly1278Cys (NM_052985.4); c.3349G>T, p.Gly1117Cys (NM_052990.3); c.3658G>T, p.Gly1220Cys (NM_001280541.2); c.3229G>T, p.Gly1077Cys (NM_001280545.2); and 5 more; short protein forms G1018C, G1077C, G1099C, G1116C, G1117C, G1150C, G1151C, G1168C.
Identifiers: ClinVar variation 3392658 (VCV003392658.2).